The following is an entry in ClinVar:

ClinVar aggregate classification (germline): Conflicting classifications of pathogenicity. Review status: criteria provided, conflicting classifications (1 of 4 stars). 2 submissions from 2 submitters: Uncertain significance (1); Likely benign (1). Last evaluated 2025-07-29.

Conditions:
Hereditary cancer-predisposing syndrome. Also called: Tumor predisposition; Hereditary neoplastic syndrome; Neoplastic Syndromes, Hereditary; Hereditary Cancer Syndrome. Identifiers: Orphanet 140162, MedGen C0027672, MeSH D009386, MONDO:0015356.
Oligodontia-cancer predisposition syndrome. Also called: TOOTH AGENESIS-COLORECTAL CANCER SYNDROME. Identifiers: Orphanet 300576, MedGen C1837750, MONDO:0012075, OMIM 608615. Disease mechanism: loss of function.

Allele frequency attached by ClinVar (database versions not stated): ExAC below 0.00001.

Submissions (2):

Ambry Genetics
Classification: Likely benign for Hereditary cancer-predisposing syndrome. Last evaluated: 2025-07-29. Review status: criteria provided, single submitter. Criteria: Ambry Variant Classification Scheme 2023. Collection method: clinical testing. Allele origin: germline.

Labcorp Genetics (formerly Invitae), Labcorp
Classification: Uncertain significance for Oligodontia-cancer predisposition syndrome. Last evaluated: 2023-11-07. Review status: criteria provided, single submitter. Criteria: Invitae Variant Classification Sherloc (09022015). Collection method: clinical testing. Allele origin: germline.
Comment: This sequence change replaces histidine, which is basic and polar, with arginine, which is basic and polar, at codon 469 of the AXIN2 protein (p.His469Arg). This variant is not present in population databases (gnomAD no frequency). This variant has not been reported in the literature in individuals affected with AXIN2-related conditions. ClinVar contains an entry for this variant (Variation ID: 957838). Advanced modeling of protein sequence and biophysical properties (such as structural, functional, and spatial information, amino acid conservation, physicochemical variation, residue mobility, and thermodynamic stability) performed at Invitae indicates that this missense variant is not expected to disrupt AXIN2 protein function with a negative predictive value of 80%. In summary, the available evidence is currently insufficient to determine the role of this variant in disease. Therefore, it has been classified as a Variant of Uncertain Significance.

NM_004655.4(AXIN2):c.1406A>G (p.His469Arg)

Gene: AXIN2 (axin 2; minus strand). Cytogenetic location: 17q24.1.
Variant type: single nucleotide variant.
Coding change: c.1406A>G on transcript NM_004655.4 (MANE Select); coding-DNA position 1406, A replaced by G.
Protein change: p.His469Arg; replaces histidine 469 with arginine.
Molecular consequence: missense variant.
Genome position (GRCh38, 1-based): chr17:65,537,630, T>C on the plus strand (A>G on the coding strand, the complement: AXIN2 is on the minus strand). VCF-style: chr17-65537630-T-C. GRCh37 (hg19) VCF-style: chr17-63533748-T-C.
Other names: c.1406A>G, p.His469Arg (NM_001363813.1); short protein forms H469R.
Identifiers: ClinVar variation 957838 (VCV000957838.13), dbSNP rs745555433, ClinGen allele CA8718655.